The following is an entry in ClinVar:

NM_002055.5(GFAP):c.388C>G (p.Leu130Val)

Gene: GFAP (glial fibrillary acidic protein; minus strand). Cytogenetic location: 17q21.31.
Variant type: single nucleotide variant.
Coding change: c.388C>G on transcript NM_002055.5 (MANE Select); coding-DNA position 388, C replaced by G.
Protein change: p.Leu130Val; replaces leucine 130 with valine.
Molecular consequence: missense variant.
Genome position (GRCh38, 1-based): chr17:44,915,099, G>C on the plus strand (C>G on the coding strand, the complement: GFAP is on the minus strand). VCF-style: chr17-44915099-G-C. GRCh37 (hg19) VCF-style: chr17-42992467-G-C.
Other names: c.388C>G, p.Leu130Val (NM_001131019.3, NM_001242376.3, NM_001363846.2); short protein forms L130V.
Identifiers: ClinVar variation 2069632 (VCV002069632.7), dbSNP rs374287482, ClinGen allele CA8609045.

ClinVar aggregate classification (germline): Likely benign. Review status: criteria provided, multiple submitters, no conflicts (2 of 4 stars). 4 submissions from 4 submitters: Likely benign (3). 1 of the submissions does not count toward it. Last evaluated 2026-01-26.

Conditions:
Inborn genetic diseases. Identifiers: MedGen C0950123, MeSH D030342.
GFAP-related disorder. Also called: GFAP-related condition; GFAP-related disorders.

Allele frequency attached by ClinVar (database versions not stated): TOPMed 0.00003; gnomAD exomes 0.00004; ExAC 0.00007; gnomAD 0.00008; 1000 Genomes Project 30x 0.00016; 1000 Genomes Project 0.00020.
gnomAD v4.1: 98 of 1,613,662 alleles (0.0061%); highest among the groups gnomAD compares: East Asian, 0.049%; no homozygotes.

Submissions (4):

Labcorp Genetics (formerly Invitae), Labcorp
Classification: Likely benign. Last evaluated: 2026-01-26. Review status: criteria provided, single submitter. Criteria: Invitae Variant Classification Sherloc (09022015). Collection method: clinical testing. Allele origin: germline.

Women's Health and Genetics/Laboratory Corporation of America, LabCorp
Classification: Likely benign. Last evaluated: 2025-09-02. Review status: criteria provided, single submitter. Criteria: LabCorp Variant Classification Summary - May 2015. Collection method: clinical testing. Allele origin: germline.
Comment: Variant summary: GFAP c.388C>G (p.Leu130Val) results in a conservative amino acid change in the encoded protein sequence. Algorithms developed to predict the effect of missense changes on protein structure and function are either unavailable or do not agree on the potential impact of this missense change. The variant allele was found at a frequency of 0.0001 in 250162 control chromosomes. To our knowledge, no occurrence of c.388C>G in individuals affected with GFAP-related conditions and no experimental evidence demonstrating its impact on protein function have been reported. ClinVar contains an entry for this variant (Variation ID: 2069632). Based on the evidence outlined above, the variant was classified as likely benign.

Ambry Genetics
Classification: Likely benign for Inborn genetic diseases. Last evaluated: 2022-04-18. Review status: criteria provided, single submitter. Criteria: Ambry Variant Classification Scheme 2023. Collection method: clinical testing. Allele origin: germline.

PreventionGenetics, part of Exact Sciences
Classification: Likely benign for GFAP-related condition. Last evaluated: 2024-05-10. Review status: no assertion criteria provided. Collection method: clinical testing. Allele origin: germline. Not counted in ClinVar's aggregate classification.
Comment: This variant is classified as likely benign based on ACMG/AMP sequence variant interpretation guidelines (Richards et al. 2015 PMID: 25741868, with internal and published modifications).